The following is an entry in ClinVar:

NM_018124.4(RFWD3):c.1703A>T (p.Asp568Val)

Gene: RFWD3 (ring finger and WD repeat domain 3; minus strand). Cytogenetic location: 16q23.1.
Variant type: single nucleotide variant.
Coding change: c.1703A>T on transcript NM_018124.4 (MANE Select); coding-DNA position 1703, A replaced by T.
Protein change: p.Asp568Val; replaces aspartic acid 568 with valine.
Molecular consequence: missense variant. On other transcripts: intron variant (1).
Genome position (GRCh38, 1-based): chr16:74,630,832, T>A on the plus strand (A>T on the coding strand, the complement: RFWD3 is on the minus strand). VCF-style: chr16-74630832-T-A. GRCh37 (hg19) VCF-style: chr16-74664730-T-A.
Other names: c.1703A>T, p.Asp568Val (NM_001370534.1, NM_001370535.1); c.869A>T, p.Asp290Val (NM_001370537.1, NM_001370539.1, NM_001370540.1 and 3 more transcripts); c.1577+1691A>T (NM_001370536.1); short protein forms D290V, D568V.
Identifiers: ClinVar variation 2093261 (VCV002093261.4), dbSNP rs1255273507, ClinGen allele CA396760218.

ClinVar aggregate classification (germline): Uncertain significance (1 of 4 stars; one submission).

Allele frequency attached by ClinVar (database versions not stated): gnomAD 0.00001; TOPMed below 0.00001.
gnomAD v4.1: 1 of 1,613,496 alleles (0.000062%); highest among the groups gnomAD compares: African/African-American, 0.0013%; no homozygotes.

Submission:

Labcorp Genetics (formerly Invitae), Labcorp
Classification: Uncertain significance. Last evaluated: 2025-10-02. Review status: criteria provided, single submitter. Criteria: Invitae Variant Classification Sherloc (09022015). Collection method: clinical testing. Allele origin: germline.
Comment: This sequence change replaces aspartic acid, which is acidic and polar, with valine, which is neutral and non-polar, at codon 568 of the RFWD3 protein (p.Asp568Val). This variant is not present in population databases (gnomAD no frequency). This variant has not been reported in the literature in individuals affected with RFWD3-related conditions. ClinVar contains an entry for this variant (Variation ID: 2093261). An algorithm developed to predict the effect of missense changes on protein structure and function (PolyPhen-2) suggests that this variant is likely to be disruptive. In summary, the available evidence is currently insufficient to determine the role of this variant in disease. Therefore, it has been classified as a Variant of Uncertain Significance.